The following is an entry in ClinVar:

ClinVar aggregate classification (germline): Benign. Review status: criteria provided, multiple submitters, no conflicts (2 of 4 stars). 3 submissions from 3 submitters: Benign (2). 1 of the submissions does not count toward it. Last evaluated 2026-02-01.

Conditions:
ITGAM-related disorder. Also called: ITGAM-related condition.

Allele frequency attached by ClinVar (database versions not stated): gnomAD exomes 0.00750 and 0.00312; gnomAD 0.03274 and 0.03483; 1000 Genomes Project 30x 0.03295; TOPMed 0.03647; 1000 Genomes Project 0.03215; ExAC 0.00940; ESP Exome Variant Server 0.03494.
gnomAD v4.1: 9,739 of 1,613,882 alleles (0.6%); highest among the groups gnomAD compares: African/African-American, 11%; 522 homozygotes.

Submissions (3):

Labcorp Genetics (formerly Invitae), Labcorp
Classification: Benign. Last evaluated: 2026-02-01. Review status: criteria provided, single submitter. Criteria: Invitae Variant Classification Sherloc (09022015). Collection method: clinical testing. Allele origin: germline.

Breakthrough Genomics
Classification: Benign. Review status: criteria provided, single submitter. Criteria: ACMG Guidelines, 2015. Collection method: not provided. Allele origin: germline. Inheritance: Unknown mechanism. Affected: yes.

PreventionGenetics, part of Exact Sciences
Classification: Benign for ITGAM-related condition. Last evaluated: 2020-02-18. Review status: no assertion criteria provided. Collection method: clinical testing. Allele origin: germline. Not counted in ClinVar's aggregate classification.
Comment: This variant is classified as benign based on ACMG/AMP sequence variant interpretation guidelines (Richards et al. 2015 PMID: 25741868, with internal and published modifications).

NM_000632.4(ITGAM):c.1944C>T (p.Ala648=)

Gene: ITGAM (integrin subunit alpha M; plus strand). Cytogenetic location: 16p11.2.
Variant type: single nucleotide variant.
Coding change: c.1944C>T on transcript NM_000632.4 (MANE Select); coding-DNA position 1944, C replaced by T.
Protein change: p.Ala648=; no amino-acid change (alanine 648 retained).
Molecular consequence: synonymous variant.
Genome position (GRCh38, 1-based): chr16:31,321,569, C>T. VCF-style: chr16-31321569-C-T. GRCh37 (hg19) VCF-style: chr16-31332890-C-T.
Other names: c.1947C>T, p.Ala649= (NM_001145808.2).
Identifiers: ClinVar variation 768775 (VCV000768775.14), dbSNP rs1143681, ClinGen allele CA8025688.